The following is an entry in ClinVar:

NM_177438.3(DICER1):c.5008G>A (p.Glu1670Lys)

Gene: DICER1 (dicer 1, ribonuclease III; minus strand). Cytogenetic location: 14q32.13.
Variant type: single nucleotide variant.
Coding change: c.5008G>A on transcript NM_177438.3 (MANE Select); coding-DNA position 5008, G replaced by A.
Protein change: p.Glu1670Lys; replaces glutamic acid 1670 with lysine.
Molecular consequence: missense variant. On other transcripts: non-coding transcript variant (6).
Genome position (GRCh38, 1-based): chr14:95,095,912, C>T on the plus strand (G>A on the coding strand, the complement: DICER1 is on the minus strand). VCF-style: chr14-95095912-C-T. GRCh37 (hg19) VCF-style: chr14-95562249-C-T.
Other names: c.5008G>A, p.Glu1670Lys (NM_001395679.1, NM_001395680.1, NM_001395682.1 and 12 more transcripts); c.4726G>A, p.Glu1576Lys (NM_001395686.1); c.4603G>A, p.Glu1535Lys (NM_001395687.1, NM_001395688.1, NM_001395689.1 and 2 more transcripts); c.4441G>A, p.Glu1481Lys (NM_001395691.1); c.3325G>A, p.Glu1109Lys (NM_001395697.1); short protein forms E1109K, E1535K, E1670K, E1481K, E1576K.
Identifiers: ClinVar variation 3501969 (VCV003501969.1).

ClinVar aggregate classification (germline): Uncertain significance (1 of 4 stars; one submission).

Conditions:
Hereditary cancer-predisposing syndrome. Also called: Tumor predisposition; Neoplastic Syndromes, Hereditary; Hereditary Cancer Syndrome; Hereditary neoplastic syndrome. Identifiers: Orphanet 140162, MedGen C0027672, MeSH D009386, MONDO:0015356.

Submission:

Ambry Genetics
Classification: Uncertain significance for Hereditary cancer-predisposing syndrome. Last evaluated: 2024-12-02. Review status: criteria provided, single submitter. Criteria: Ambry Variant Classification Scheme 2023. Collection method: clinical testing. Allele origin: germline.
Comment: The p.E1670K variant (also known as c.5008G>A), located in coding exon 22 of the DICER1 gene, results from a G to A substitution at nucleotide position 5008. The glutamic acid at codon 1670 is replaced by lysine, an amino acid with similar properties. This amino acid position is conserved. In addition, this alteration is predicted to be deleterious by in silico analysis. Based on the available evidence, the clinical significance of this variant remains unclear.